The following is an entry in ClinVar:

ClinVar aggregate classification (germline): Uncertain significance (1 of 4 stars; one submission).

Conditions:
Polyglandular autoimmune syndrome, type 1 (APS1). Also called: AUTOIMMUNE POLYENDOCRINE SYNDROME, TYPE I, WITH OR WITHOUT REVERSIBLE METAPHYSEAL DYSPLASIA; APS I; HYPOADRENOCORTICISM WITH HYPOPARATHYROIDISM AND SUPERFICIAL MONILIASIS; PGA I; Autoimmune polyendocrine syndrome type 1; Autoimmune polyendocrinopathy syndrome, type I. Identifiers: Orphanet 3453, MedGen C0085859, MONDO:0009411, OMIM 240300.

Submission:

Labcorp Genetics (formerly Invitae), Labcorp
Classification: Uncertain significance for Polyglandular autoimmune syndrome, type 1. Last evaluated: 2024-04-29. Review status: criteria provided, single submitter. Criteria: Invitae Variant Classification Sherloc (09022015). Collection method: clinical testing. Allele origin: germline.
Comment: This sequence change replaces glutamic acid, which is acidic and polar, with lysine, which is basic and polar, at codon 171 of the AIRE protein (p.Glu171Lys). This variant is not present in population databases (gnomAD no frequency). This variant has not been reported in the literature in individuals affected with AIRE-related conditions. Advanced modeling of protein sequence and biophysical properties (such as structural, functional, and spatial information, amino acid conservation, physicochemical variation, residue mobility, and thermodynamic stability) has been performed at Invitae for this missense variant, however the output from this modeling did not meet the statistical confidence thresholds required to predict the impact of this variant on AIRE protein function. In summary, the available evidence is currently insufficient to determine the role of this variant in disease. Therefore, it has been classified as a Variant of Uncertain Significance.

NM_000383.4(AIRE):c.511G>A (p.Glu171Lys)

Gene: AIRE (autoimmune regulator; plus strand). Cytogenetic location: 21q22.3.
Variant type: single nucleotide variant.
Coding change: c.511G>A on transcript NM_000383.4 (MANE Select); coding-DNA position 511, G replaced by A.
Protein change: p.Glu171Lys; replaces glutamic acid 171 with lysine.
Molecular consequence: missense variant.
Genome position (GRCh38, 1-based): chr21:44,287,564, G>A. VCF-style: chr21-44287564-G-A. GRCh37 (hg19) VCF-style: chr21-45707447-G-A.
Other names: short protein forms E171K.
Identifiers: ClinVar variation 3698779 (VCV003698779.2).